The following is an entry in ClinVar:

NM_022041.4(GAN):c.1402A>T (p.Met468Leu)

Gene: GAN (gigaxonin; plus strand). Cytogenetic location: 16q23.2.
Variant type: single nucleotide variant.
Coding change: c.1402A>T on transcript NM_022041.4 (MANE Select); coding-DNA position 1402, A replaced by T.
Protein change: p.Met468Leu; replaces methionine 468 with leucine.
Molecular consequence: missense variant.
Genome position (GRCh38, 1-based): chr16:81,365,378, A>T. VCF-style: chr16-81365378-A-T. GRCh37 (hg19) VCF-style: chr16-81398983-A-T.
Other names: c.763A>T, p.Met255Leu (NM_001377486.1); short protein forms M255L, M468L.
Identifiers: ClinVar variation 1428253 (VCV001428253.8), dbSNP rs375408288, ClinGen allele CA8191760.

ClinVar aggregate classification (germline): Uncertain significance (1 of 4 stars; one submission).

Conditions:
Giant axonal neuropathy 1 (GAN1). Also called: GIANT AXONAL NEUROPATHY 1, AUTOSOMAL RECESSIVE; GAN-Related Neurodegeneration. Identifiers: Orphanet 643, MedGen C1850386, MONDO:0009749, OMIM 256850.

gnomAD v4.1: 2 of 1,613,636 alleles (0.00012%); highest among the groups gnomAD compares: South Asian, 0.0011%; no homozygotes.

Submission:

Labcorp Genetics (formerly Invitae), Labcorp
Classification: Uncertain significance for Giant axonal neuropathy 1. Last evaluated: 2021-03-27. Review status: criteria provided, single submitter. Criteria: Invitae Variant Classification Sherloc (09022015). Collection method: clinical testing. Allele origin: germline.
Comment: In summary, the available evidence is currently insufficient to determine the role of this variant in disease. Therefore, it has been classified as a Variant of Uncertain Significance. Algorithms developed to predict the effect of missense changes on protein structure and function output the following: SIFT: "Tolerated"; PolyPhen-2: "Benign"; Align-GVGD: "Class C0". The leucine amino acid residue is found in multiple mammalian species, suggesting that this missense change does not adversely affect protein function. These predictions have not been confirmed by published functional studies and their clinical significance is uncertain. This variant has not been reported in the literature in individuals with GAN-related conditions. This variant is present in population databases (rs375408288, ExAC 0.006%). This sequence change replaces methionine with leucine at codon 468 of the GAN protein (p.Met468Leu). The methionine residue is moderately conserved and there is a small physicochemical difference between methionine and leucine.